The following is an entry in ClinVar:

NM_206933.4(USH2A):c.9340C>A (p.Pro3114Thr)

Gene: USH2A (usherin; minus strand). Cytogenetic location: 1q41.
Variant type: single nucleotide variant.
Coding change: c.9340C>A on transcript NM_206933.4 (MANE Select); coding-DNA position 9340, C replaced by A.
Protein change: p.Pro3114Thr; replaces proline 3114 with threonine.
Molecular consequence: missense variant.
Genome position (GRCh38, 1-based): chr1:215,838,022, G>T on the plus strand (C>A on the coding strand, the complement: USH2A is on the minus strand). VCF-style: chr1-215838022-G-T. GRCh37 (hg19) VCF-style: chr1-216011364-G-T.
Other names: short protein forms P3114T.
Identifiers: ClinVar variation 1407443 (VCV001407443.4), dbSNP rs201071654, ClinGen allele CA344834819.
Genomic context (GRCh38, chr1:215,838,022, plus strand): 5'-TTAGATTTAACTGACACAAAATTTTGTACCTTGAAGTGATGCCACGAATTGTGGGTGTTG[G>T]TATATCACTTGGAGTGTCTTCCACAGTGGTAATTTGGGTTCCATTGCTTTTCACGCAGGC-3'
Protein context (NP_996816.3, residues 3104-3124): TTVEDTPSDI[Pro3114Thr]TPTIRGITSR

ClinVar aggregate classification (germline): Uncertain significance. Review status: criteria provided, multiple submitters, no conflicts (2 of 4 stars). 2 submissions from 2 submitters: Uncertain significance (2). Last evaluated 2021-09-26.

gnomAD v4.1: 1 of 1,613,954 alleles (0.000062%); highest among the groups gnomAD compares: Non-Finnish European, 0.000085%; no homozygotes.

Submissions (2):

Labcorp Genetics (formerly Invitae), Labcorp
Classification: Uncertain significance. Last evaluated: 2021-09-26. Review status: criteria provided, single submitter. Criteria: Invitae Variant Classification Sherloc (09022015). Collection method: clinical testing. Allele origin: germline.
Comment: This sequence change replaces proline with threonine at codon 3114 of the USH2A protein (p.Pro3114Thr). The proline residue is moderately conserved and there is a small physicochemical difference between proline and threonine. This variant is not present in population databases (ExAC no frequency). This variant has not been reported in the literature in individuals affected with USH2A-related conditions. Algorithms developed to predict the effect of missense changes on protein structure and function (SIFT, PolyPhen-2, Align-GVGD) all suggest that this variant is likely to be tolerated. In summary, the available evidence is currently insufficient to determine the role of this variant in disease. Therefore, it has been classified as a Variant of Uncertain Significance.

Blueprint Genetics
Classification: Uncertain significance. Last evaluated: 2019-05-07. Review status: criteria provided, single submitter. Criteria: ACMG Guidelines, 2015. Collection method: clinical testing. Allele origin: germline.